The following is an entry in ClinVar:

ClinVar aggregate classification (germline): Uncertain significance (1 of 4 stars; one submission).

Conditions:
Hereditary cancer-predisposing syndrome. Also called: Neoplastic Syndromes, Hereditary; Tumor predisposition; Hereditary Cancer Syndrome; Hereditary neoplastic syndrome. Identifiers: Orphanet 140162, MedGen C0027672, MeSH D009386, MONDO:0015356.
Familial thoracic aortic aneurysm and aortic dissection (TAAD). Also called: Thoracic aortic aneurysms and dissections. Identifiers: Orphanet 91387, MedGen C4707243, MONDO:0019625.

Submission:

Ambry Genetics
Classification: Uncertain significance for Hereditary cancer-predisposing syndrome; Familial thoracic aortic aneurysm and aortic dissection. Last evaluated: 2022-09-26. Review status: criteria provided, single submitter. Criteria: Ambry Variant Classification Scheme 2023. Collection method: clinical testing. Allele origin: germline.
Comment: The p.S271I variant (also known as c.812G>T), located in coding exon 6 of the SMAD4 gene, results from a G to T substitution at nucleotide position 812. The serine at codon 271 is replaced by isoleucine, an amino acid with dissimilar properties. This amino acid position is conserved. In addition, the in silico prediction for this alteration is inconclusive. Since supporting evidence is limited at this time, the clinical significance of this alteration remains unclear.

NM_005359.6(SMAD4):c.812G>T (p.Ser271Ile)

Gene: SMAD4 (SMAD family member 4; plus strand). Cytogenetic location: 18q21.2.
Variant type: single nucleotide variant.
Coding change: c.812G>T on transcript NM_005359.6 (MANE Select); coding-DNA position 812, G replaced by T.
Protein change: p.Ser271Ile; replaces serine 271 with isoleucine.
Molecular consequence: missense variant.
Genome position (GRCh38, 1-based): chr18:51,058,364, G>T. VCF-style: chr18-51058364-G-T. GRCh37 (hg19) VCF-style: chr18-48584734-G-T.
Other names: c.812G>T, p.Ser271Ile (NM_001407041.1, NM_001407042.1, NM_001407043.1); short protein forms S271I.
Identifiers: ClinVar variation 1762126 (VCV001762126.2), dbSNP rs1343555503, ClinGen allele CA402463345.
Genomic context (GRCh38, chr18:51,058,364, plus strand): 5'-AAAAGCAAATTAACCCATGTGGGCCTTAATTTTTAGACAGCACTACCACCTGGACTGGAA[G>T]TAGGACTGCACCATACACACCTAATTTGCCTCACCACCAAAACGGCCATCTTCAGCACCA-3'
Protein context (NP_005350.1, residues 261-281): HHNSTTTWTG[Ser271Ile]RTAPYTPNLP